The following is an entry in ClinVar:

ClinVar aggregate classification (germline): Uncertain significance. Review status: criteria provided, multiple submitters, no conflicts (2 of 4 stars). 2 submissions from 2 submitters: Uncertain significance (2). Last evaluated 2023-09-01.

Conditions:
Ataxia-telangiectasia-like disorder (ATLD). Identifiers: MedGen C1858391, MONDO:0011457.
Hereditary cancer-predisposing syndrome. Also called: Neoplastic Syndromes, Hereditary; Tumor predisposition; Hereditary Cancer Syndrome; Hereditary neoplastic syndrome. Identifiers: Orphanet 140162, MedGen C0027672, MeSH D009386, MONDO:0015356.

Allele frequency attached by ClinVar (database versions not stated): gnomAD exomes below 0.00001 and 0.00001; ExAC 0.00001; TOPMed 0.00001.
gnomAD v4.1: 2 of 1,569,572 alleles (0.00013%); highest among the groups gnomAD compares: South Asian, 0.0011%; no homozygotes.

Submissions (2):

Ambry Genetics
Classification: Uncertain significance for Hereditary cancer-predisposing syndrome. Last evaluated: 2023-09-01. Review status: criteria provided, single submitter. Criteria: Ambry Variant Classification Scheme 2023. Collection method: clinical testing. Allele origin: germline.
Comment: The p.H22Y variant (also known as c.64C>T), located in coding exon 2 of the MRE11A gene, results from a C to T substitution at nucleotide position 64. The histidine at codon 22 is replaced by tyrosine, an amino acid with similar properties. This amino acid position is highly conserved in available vertebrate species. In addition, this alteration is predicted to be deleterious by in silico analysis. Since supporting evidence is limited at this time, the clinical significance of this alteration remains unclear.

Labcorp Genetics (formerly Invitae), Labcorp
Classification: Uncertain significance for Ataxia-telangiectasia-like disorder. Last evaluated: 2023-08-19. Review status: criteria provided, single submitter. Criteria: Invitae Variant Classification Sherloc (09022015). Collection method: clinical testing. Allele origin: germline.
Comment: This sequence change replaces histidine, which is basic and polar, with tyrosine, which is neutral and polar, at codon 22 of the MRE11 protein (p.His22Tyr). This variant is present in population databases (rs753346527, gnomAD 0.003%). This variant has not been reported in the literature in individuals affected with MRE11-related conditions. ClinVar contains an entry for this variant (Variation ID: 187735). An algorithm developed to predict the effect of missense changes on protein structure and function (PolyPhen-2) suggests that this variant is likely to be disruptive. In summary, the available evidence is currently insufficient to determine the role of this variant in disease. Therefore, it has been classified as a Variant of Uncertain Significance.

NM_005591.4(MRE11):c.64C>T (p.His22Tyr)

Gene: MRE11 (MRE11 double strand break repair nuclease; minus strand). Cytogenetic location: 11q21.
Variant type: single nucleotide variant.
Coding change: c.64C>T on transcript NM_005591.4 (MANE Select); coding-DNA position 64, C replaced by T.
Protein change: p.His22Tyr; replaces histidine 22 with tyrosine.
Molecular consequence: missense variant.
Genome position (GRCh38, 1-based): chr11:94,490,922, G>A on the plus strand (C>T on the coding strand, the complement: MRE11 is on the minus strand). VCF-style: chr11-94490922-G-A. GRCh37 (hg19) VCF-style: chr11-94224088-G-A.
Other names: c.64C>T, p.His22Tyr (NM_001330347.2, NM_005590.4); short protein forms H22Y.
Identifiers: ClinVar variation 187735 (VCV000187735.9), dbSNP rs753346527, ClinGen allele CA198437.